The following is an entry in ClinVar:

ClinVar aggregate classification (germline): Pathogenic (1 of 4 stars; one submission).

Conditions:
Juvenile polyposis syndrome (JPS). Identifiers: Orphanet 2929, MedGen C0345893, MONDO:0017380, OMIM 174900.

Submission:

Labcorp Genetics (formerly Invitae), Labcorp
Classification: Pathogenic for Juvenile polyposis syndrome. Last evaluated: 2017-05-08. Review status: criteria provided, single submitter. Criteria: Invitae Variant Classification Sherloc (09022015). Collection method: clinical testing. Allele origin: germline.
Comment: While this particular variant has not been reported in the literature, loss-of-function variants in SMAD4 are known to be pathogenic (PMID: 22810475, 16152648). This sequence change deletes 2 nucleotides from exon 10 of the SMAD4 mRNA (c.1166_1167delTG), causing a frameshift at codon 389. This creates a premature translational stop signal (p.Leu389*) and is expected to result in an absent or disrupted protein product. For these reasons, this variant has been classified as Pathogenic.

Literature cited by the submitters: PubMed 22810475; PubMed 16152648.

NM_005359.6(SMAD4):c.1166_1167del (p.Gln388_Leu389insTer)

Gene: SMAD4 (SMAD family member 4; plus strand). Cytogenetic location: 18q21.2.
Variant type: Deletion.
Coding change: c.1166_1167del on transcript NM_005359.6 (MANE Select); coding-DNA positions 1166 to 1167, 2 bases deleted (TG; older notation c.1166_1167delTG).
Protein change: p.Gln388_Leu389insTer.
Molecular consequence: nonsense.
Genome position (GRCh38, 1-based): chr18:51,067,045-51,067,046, TG deleted. VCF-style (leftmost placement, unchanged base first): chr18-51067044-TTG-T. GRCh37 (hg19) VCF-style: chr18-48593414-TTG-T.
Other names: c.1166_1167delTG (NM_005359.5).
Identifiers: ClinVar variation 460529 (VCV000460529.8), dbSNP rs1555686600, ClinGen allele CA658658748.